The following is an entry in ClinVar:

NM_001289080.2(CNTN6):c.2957G>C (p.Ser986Thr)

Gene: CNTN6 (contactin 6; plus strand). Cytogenetic location: 3p26.3.
Variant type: single nucleotide variant.
Coding change: c.2957G>C on transcript NM_001289080.2 (MANE Select); coding-DNA position 2957, G replaced by C.
Protein change: p.Ser986Thr; replaces serine 986 with threonine.
Molecular consequence: missense variant.
Genome position (GRCh38, 1-based): chr3:1,402,457, G>C. VCF-style: chr3-1402457-G-C. GRCh37 (hg19) VCF-style: chr3-1444141-G-C.
Other names: c.2741G>C, p.Ser914Thr (NM_001289081.2); c.2957G>C, p.Ser986Thr (NM_001349350.2, NM_001349351.2, NM_001349352.2 and 4 more transcripts); c.2849G>C, p.Ser950Thr (NM_001349356.2); c.2645G>C, p.Ser882Thr (NM_001349357.2); c.2402G>C, p.Ser801Thr (NM_001349358.2); c.1835G>C, p.Ser612Thr (NM_001349359.2, NM_001349360.2, NM_001349361.2 and 1 more transcripts); short protein forms S612T, S801T, S882T, S914T, S950T, S986T.
Identifiers: ClinVar variation 3057265 (VCV003057265.2), dbSNP rs200347218, ClinGen allele CA2226786.
Genomic context (GRCh38, chr3:1,402,457, plus strand): 5'-TTGAAGAAGACTACTTAATTGAAATAAGAACAGTCAGTGATGGTGGAGATGGAAGCAGCA[G>C]TGAGGAAATTAGGATTCCAAAAATGTCAAGTAAGTTGAGTCACCATTGCTGTAGTAGATT-3'
Protein context (NP_001276009.1, residues 976-996): TVSDGGDGSS[Ser986Thr]EEIRIPKMSS

ClinVar aggregate classification (germline): Likely benign (0 of 4 stars; one submission).

Conditions:
CNTN6-related disorder. Also called: CNTN6-related condition.

Allele frequency attached by ClinVar (database versions not stated): TOPMed 0.00001; gnomAD 0.00025; gnomAD exomes 0.00041; 1000 Genomes Project 30x 0.00047; 1000 Genomes Project 0.00060; ExAC 0.00086.
gnomAD v4.1: 631 of 1,610,722 alleles (0.039%); highest among the groups gnomAD compares: South Asian, 0.66%; 6 homozygotes.

Submission:

PreventionGenetics, part of Exact Sciences
Classification: Likely benign for CNTN6-related condition. Last evaluated: 2020-09-08. Review status: no assertion criteria provided. Collection method: clinical testing. Allele origin: germline.
Comment: This variant is classified as likely benign based on ACMG/AMP sequence variant interpretation guidelines (Richards et al. 2015 PMID: 25741868, with internal and published modifications).